The following is an entry in ClinVar:

NM_001077653.2(TBX20):c.1003+129T>C

Gene: TBX20 (T-box transcription factor 20; minus strand). Cytogenetic location: 7p14.2.
Variant type: single nucleotide variant.
Coding change: c.1003+129T>C on transcript NM_001077653.2 (MANE Select); 129 bases into the intron after coding-DNA position 1003, T replaced by C.
Genome position (GRCh38, 1-based): chr7:35,204,341, A>G on the plus strand (T>C on the coding strand, the complement: TBX20 is on the minus strand). VCF-style: chr7-35204341-A-G. GRCh37 (hg19) VCF-style: chr7-35243953-A-G.
Other names: c.1003+129T>C (LRG_755t1).
Identifiers: ClinVar variation 132822 (VCV000132822.2), dbSNP rs483353008, ClinGen allele CA156233.
Genomic context (GRCh38, chr7:35,204,341, plus strand): 5'-ATGATTCAAAGGCAAAATAATGAAATCTGTGAGGATCAGTGTCGGGGCTCTCCCTTCCCA[A>G]GGAGGCTCCTGAAATCCTTTCCCGGCATCGTGTACTCTGAGGACTGGCCATCTCATCAAC-3'

ClinVar aggregate classification (germline): Uncertain significance (0 of 4 stars; one submission).

Conditions:
Atrial septal defect 4 (ASD4). Identifiers: Orphanet 1478, MedGen C1969657, MONDO:0012654, OMIM 611363.

Allele frequency attached by ClinVar (database versions not stated): gnomAD exomes below 0.00001; gnomAD 0.00001; TOPMed 0.00001; 1000 Genomes Project 30x 0.00031; 1000 Genomes Project 0.00040.
gnomAD v4.1: 4 of 725,936 alleles (0.00055%); highest among the groups gnomAD compares: African/African-American, 0.0052%; no homozygotes.

Submission:

Laboratory of Genomics, Instituto Nacional de Cardiología Ignacio Chávez
Classification: Uncertain significance for Atrial septal defect 4. Review status: no assertion criteria provided. Collection method: not provided. Allele origin: unknown.
ClinVar note: Converted during submission from unknown to Uncertain significance.